The following is an entry in ClinVar:

NM_001111.5(ADAR):c.1484A>G (p.Lys495Arg)

Gene: ADAR (adenosine deaminase RNA specific; minus strand). Cytogenetic location: 1q21.3.
Variant type: single nucleotide variant.
Coding change: c.1484A>G on transcript NM_001111.5 (MANE Select); coding-DNA position 1484, A replaced by G.
Protein change: p.Lys495Arg; replaces lysine 495 with arginine.
Molecular consequence: missense variant.
Genome position (GRCh38, 1-based): chr1:154,601,158, T>C on the plus strand (A>G on the coding strand, the complement: ADAR is on the minus strand). VCF-style: chr1-154601158-T-C. GRCh37 (hg19) VCF-style: chr1-154573634-T-C.
Other names: c.599A>G, p.Lys200Arg (NM_001025107.3, NM_001193495.2, NM_001365046.1 and 3 more transcripts); c.1511A>G, p.Lys504Arg (NM_001365045.1); c.1484A>G, p.Lys495Arg (NM_015840.4, NM_015841.4); short protein forms K200R, K495R, K504R.
Identifiers: ClinVar variation 3758242 (VCV003758242.2).

ClinVar aggregate classification (germline): Uncertain significance (1 of 4 stars; one submission).

Conditions:
Symmetrical dyschromatosis of extremities (DSH). Also called: DYSCHROMATOSIS SYMMETRICA HEREDITARIA 1; RETICULATE ACROPIGMENTATION OF DOHI; SYMMETRIC DYSCHROMATOSIS OF THE EXTREMITIES; Dyschromatosis symmetrica hereditaria. Identifiers: Orphanet 41, MedGen C0406775, MONDO:0007483, OMIM 127400.
Aicardi-Goutieres syndrome 6 (AGS6). Identifiers: Orphanet 51, MedGen C3539013, MONDO:0014007, OMIM 615010.

Submission:

Labcorp Genetics (formerly Invitae), Labcorp
Classification: Uncertain significance for Aicardi-Goutieres syndrome 6; Symmetrical dyschromatosis of extremities. Last evaluated: 2025-01-30. Review status: criteria provided, single submitter. Criteria: Invitae Variant Classification Sherloc (09022015). Collection method: clinical testing. Allele origin: germline.
Comment: This sequence change replaces lysine, which is basic and polar, with arginine, which is basic and polar, at codon 495 of the ADAR protein (p.Lys495Arg). This variant is not present in population databases (gnomAD no frequency). This variant has not been reported in the literature in individuals affected with ADAR-related conditions. Invitae Evidence Modeling of protein sequence and biophysical properties (such as structural, functional, and spatial information, amino acid conservation, physicochemical variation, residue mobility, and thermodynamic stability) indicates that this missense variant is not expected to disrupt ADAR protein function with a negative predictive value of 80%. In summary, the available evidence is currently insufficient to determine the role of this variant in disease. Therefore, it has been classified as a Variant of Uncertain Significance.